The following is an entry in ClinVar:

NM_173660.5(DOK7):c.772+327_772+328insCTTCACCCCTTCATTCCTTT

Gene: DOK7 (docking protein 7; plus strand). Cytogenetic location: 4p16.3.
Variant type: Insertion.
Coding change: c.772+327_772+328insCTTCACCCCTTCATTCCTTT on transcript NM_173660.5 (MANE Select); bases 327 to 328 of the intron after coding-DNA position 772, CTTCACCCCTTCATTCCTTT inserted.
Molecular consequence: intron variant.
Genome position: GRCh38 VCF-style: chr4-3490112-A-ATTCATTCCTTTCTTCACCCC. GRCh37 (hg19) VCF-style: chr4-3491839-A-ATTCATTCCTTTCTTCACCCC.
Other names: c.772+327_772+328insCTTCACCCCTTCATTCCTTT (NM_001301071.2); c.340+327_340+328insCTTCACCCCTTCATTCCTTT (NM_001363811.2); c.761+327_761+328insCTTCACCCCTTCATTCCTTT (NM_001164673.2); c.-159+327_-159+328insCTTCACCCCTTCATTCCTTT (NM_001256896.2).
Identifiers: ClinVar variation 673974 (VCV000673974.1), dbSNP rs72349432, ClinGen allele CA91549591.

ClinVar aggregate classification (germline): Benign (1 of 4 stars; one submission).

Submission:

GeneDx
Classification: Benign. Last evaluated: 2018-06-19. Review status: criteria provided, single submitter. Criteria: GeneDx Variant Classification (06012015). Collection method: clinical testing. Allele origin: germline. Affected: yes.
Comment: This variant is considered likely benign or benign based on one or more of the following criteria: it is a conservative change, it occurs at a poorly conserved position in the protein, it is predicted to be benign by multiple in silico algorithms, and/or has population frequency not consistent with disease.